The following is an entry in ClinVar:

NM_002485.5(NBN):c.1397+4T>G

Gene: NBN (nibrin; minus strand). Cytogenetic location: 8q21.3.
Variant type: single nucleotide variant.
Coding change: c.1397+4T>G on transcript NM_002485.5 (MANE Select); 4 bases into the intron after coding-DNA position 1397, T replaced by G.
Molecular consequence: intron variant.
Genome position (GRCh38, 1-based): chr8:89,955,279, A>C on the plus strand (T>G on the coding strand, the complement: NBN is on the minus strand). VCF-style: chr8-89955279-A-C. GRCh37 (hg19) VCF-style: chr8-90967507-A-C.
Other names: c.1151+4T>G (NM_001024688.3).
Identifiers: ClinVar variation 928489 (VCV000928489.7), dbSNP rs770699381, ClinGen allele CA1139660638.

ClinVar aggregate classification (germline): Uncertain significance. Review status: criteria provided, multiple submitters, no conflicts (2 of 4 stars). 3 submissions from 3 submitters: Uncertain significance (3). Last evaluated 2021-11-07.

Conditions:
Microcephaly, normal intelligence and immunodeficiency (NBS). Also called: Nijmegen breakage syndrome; Microcephaly with normal intelligence immunodeficiency and lymphoreticular malignancies; Nonsyndromal microcephaly autosomal recessive with normal intelligence; Seemanova syndrome 2; IMMUNODEFICIENCY, MICROCEPHALY, AND CHROMOSOMAL INSTABILITY; SEEMANOVA SYNDROME II. Identifiers: Orphanet 647, MedGen C0398791, MONDO:0009623, OMIM 251260.

Submissions (3):

Genome-Nilou Lab
Classification: Uncertain significance for Microcephaly, normal intelligence and immunodeficiency. Last evaluated: 2021-11-07. Review status: criteria provided, single submitter. Criteria: ACMG Guidelines, 2015. Collection method: clinical testing. Allele origin: germline. Affected: no.

Labcorp Genetics (formerly Invitae), Labcorp
Classification: Uncertain significance for Microcephaly, normal intelligence and immunodeficiency. Last evaluated: 2021-09-15. Review status: criteria provided, single submitter. Criteria: Invitae Variant Classification Sherloc (09022015). Collection method: clinical testing. Allele origin: germline.
Comment: This sequence change falls in intron 10 of the NBN gene. It does not directly change the encoded amino acid sequence of the NBN protein. It affects a nucleotide within the consensus splice site of the intron. This variant is not present in population databases (ExAC no frequency). This variant has not been reported in the literature in individuals affected with NBN-related conditions. Variants that disrupt the consensus splice site are a relatively common cause of aberrant splicing (PMID: 17576681, 9536098). Algorithms developed to predict the effect of sequence changes on RNA splicing suggest that this variant is not likely to affect RNA splicing. In summary, the available evidence is currently insufficient to determine the role of this variant in disease. Therefore, it has been classified as a Variant of Uncertain Significance.

Women's Health and Genetics/Laboratory Corporation of America, LabCorp
Classification: Uncertain significance. Last evaluated: 2019-10-04. Review status: criteria provided, single submitter. Criteria: LabCorp Variant Classification Summary - May 2015. Collection method: clinical testing. Allele origin: germline.
Comment: Variant summary: NBN c.1397+4T>G alters a non-conserved nucleotide located close to a canonical splice site and therefore could affect mRNA splicing, leading to a significantly altered protein sequence. 4/4 computational tools predict no significant impact on normal splicing. However, these predictions have yet to be confirmed by functional studies. The variant was absent in 251056 control chromosomes (gnomAD). The available data on variant occurrences in the general population are insufficient to allow any conclusion about variant significance. To our knowledge, no occurrence of c.1397+4T>G in individuals affected with Nijmegen Breakage Syndrome and no experimental evidence demonstrating its impact on protein function have been reported. No clinical diagnostic laboratories have submitted clinical-significance assessments for this variant to ClinVar after 2014. Based on the evidence outlined above, the variant was classified as uncertain significance.

Literature cited by the submitters: PubMed 17576681 (cited by Labcorp Genetics (formerly Invitae), Labcorp); PubMed 9536098 (cited by Labcorp Genetics (formerly Invitae), Labcorp).